The following is an entry in ClinVar:

ClinVar aggregate classification (germline): Uncertain significance (1 of 4 stars; one submission).

Conditions:
Inborn genetic diseases. Identifiers: MedGen C0950123, MeSH D030342.

Allele frequency attached by ClinVar (database versions not stated): gnomAD exomes below 0.00001.
gnomAD v4.1: 1 of 1,614,122 alleles (0.000062%); highest among the groups gnomAD compares: Non-Finnish European, 0.000085%; no homozygotes.

Submission:

Ambry Genetics
Classification: Uncertain significance for Inborn genetic diseases. Last evaluated: 2023-06-18. Review status: criteria provided, single submitter. Criteria: Ambry Variant Classification Scheme 2023. Collection method: clinical testing. Allele origin: germline.
Comment: The p.E134K variant (also known as c.400G>A), located in coding exon 5 of the BUB1B gene, results from a G to A substitution at nucleotide position 400. The glutamic acid at codon 134 is replaced by lysine, an amino acid with similar properties. This amino acid position is conserved. In addition, this alteration is predicted to be deleterious by in silico analysis. Since supporting evidence is limited at this time, the clinical significance of this alteration remains unclear.

NM_001211.6(BUB1B):c.400G>A (p.Glu134Lys)

Gene: BUB1B (BUB1 mitotic checkpoint serine/threonine kinase B; plus strand). Cytogenetic location: 15q15.1.
Variant type: single nucleotide variant.
Coding change: c.400G>A on transcript NM_001211.6 (MANE Select); coding-DNA position 400, G replaced by A.
Protein change: p.Glu134Lys; replaces glutamic acid 134 with lysine.
Molecular consequence: missense variant.
Genome position (GRCh38, 1-based): chr15:40,176,492, G>A. VCF-style: chr15-40176492-G-A. GRCh37 (hg19) VCF-style: chr15-40468693-G-A.
Other names: short protein forms E134K.
Identifiers: ClinVar variation 2585904 (VCV002585904.2), dbSNP rs2542523923, ClinGen allele CA391681066.